The following is an entry in ClinVar:

ClinVar aggregate classification (germline): Benign/Likely benign. Review status: criteria provided, multiple submitters, no conflicts (2 of 4 stars). 7 submissions from 7 submitters: Benign (6); Likely benign (1). Last evaluated 2026-02-04.

Conditions:
Mendelian susceptibility to mycobacterial diseases due to complete ISG15 deficiency. Also called: Immunodeficiency 38 with basal ganglia calcification; IMMUNODEFICIENCY 38, MYCOBACTERIOSIS, AUTOSOMAL RECESSIVE; ISG15 DEFICIENCY, AUTOSOMAL RECESSIVE; Immunodeficiency 38. Identifiers: Orphanet 319563, MedGen C4015293, MONDO:0014502, OMIM 616126.

Allele frequency attached by ClinVar (database versions not stated): ESP Exome Variant Server 0.82036; 1000 Genomes Project 30x 0.82105; TOPMed 0.82362; 1000 Genomes Project 0.82568; gnomAD 0.83017 and 0.83819; gnomAD exomes 0.94125.
gnomAD v4.1: 1,501,704 of 1,613,596 alleles (93%); highest among the groups gnomAD compares: Non-Finnish European, 95%; 704,736 homozygotes.

Submissions (7):

Labcorp Genetics (formerly Invitae), Labcorp
Classification: Benign for Mendelian susceptibility to mycobacterial diseases due to complete ISG15 deficiency. Last evaluated: 2026-02-04. Review status: criteria provided, single submitter. Criteria: Invitae Variant Classification Sherloc (09022015). Collection method: clinical testing. Allele origin: germline.

Blueprint Genetics
Classification: Likely benign. Last evaluated: 2024-11-26. Review status: criteria provided, single submitter. Criteria: ACMG Guidelines, 2015. Collection method: clinical testing. Allele origin: germline.

Unidad de Genómica Garrahan, Hospital de Pediatría Garrahan
Classification: Benign. Last evaluated: 2023-11-02. Review status: criteria provided, single submitter. Criteria: ACMG Guidelines, 2015. Collection method: clinical testing. Allele origin: germline. Affected: no. Observed: 96 variant alleles.
Comment: This variant is classified as Benign based on local population frequency. This variant was detected in 100% of patients studied by a panel of primary immunodeficiencies. Number of patients: 96. Only high quality variants are reported.

GeneDx
Classification: Benign. Last evaluated: 2021-10-11. Review status: criteria provided, single submitter. Criteria: GeneDx Variant Classification Process June 2021. Collection method: clinical testing. Allele origin: germline. Affected: yes.

Genome-Nilou Lab
Classification: Benign for Mendelian susceptibility to mycobacterial diseases due to complete ISG15 deficiency. Last evaluated: 2021-07-14. Review status: criteria provided, single submitter. Criteria: ACMG Guidelines, 2015. Collection method: clinical testing. Allele origin: germline. Affected: no.

Mayo Clinic Laboratories, Mayo Clinic
Classification: Benign. Last evaluated: 2018-03-22. Review status: criteria provided, single submitter. Criteria: ACMG Guidelines, 2015. Collection method: clinical testing. Allele origin: germline. Observed: 971 variant alleles.

Breakthrough Genomics
Classification: Benign. Review status: criteria provided, single submitter. Criteria: ACMG Guidelines, 2015. Collection method: not provided. Allele origin: germline. Inheritance: Autosomal recessive inheritance. Affected: yes.

NM_005101.4(ISG15):c.294A>G (p.Val98=)

Gene: ISG15 (ISG15 ubiquitin like modifier; plus strand). Cytogenetic location: 1p36.33.
Variant type: single nucleotide variant.
Coding change: c.294A>G on transcript NM_005101.4 (MANE Select); coding-DNA position 294, A replaced by G.
Protein change: p.Val98=; no amino-acid change (valine 98 retained).
Molecular consequence: synonymous variant.
Genome position (GRCh38, 1-based): chr1:1,014,274, A>G. VCF-style: chr1-1014274-A-G. GRCh37 (hg19) VCF-style: chr1-949654-A-G.
Other names: p.Val98=; c.294A>G (NM_005101.3).
Identifiers: ClinVar variation 1166514 (VCV001166514.19), dbSNP rs8997, ClinGen allele CA507666.